The following is an entry in ClinVar:

NM_000263.4(NAGLU):c.1914C>G (p.Tyr638Ter)

Gene: NAGLU (N-acetyl-alpha-glucosaminidase; plus strand). Cytogenetic location: 17q21.2.
Variant type: single nucleotide variant.
Coding change: c.1914C>G on transcript NM_000263.4 (MANE Select); coding-DNA position 1914, C replaced by G.
Protein change: p.Tyr638Ter; replaces tyrosine 638 with a stop codon.
Molecular consequence: nonsense.
Genome position (GRCh38, 1-based): chr17:42,543,920, C>G. VCF-style: chr17-42543920-C-G. GRCh37 (hg19) VCF-style: chr17-40695938-C-G.
Other names: short protein forms Y638*.
Identifiers: ClinVar variation 3763692 (VCV003763692.2).
Genomic context (GRCh38, chr17:42,543,920, plus strand): 5'-GGGCAGCTGGCTAGAGCAGGCCCGAGCAGCGGCAGTCAGTGAGGCCGAGGCCGATTTCTA[C>G]GAGCAGAACAGCCGCTACCAGCTGACCTTGTGGGGGCCAGAAGGCAACATCCTGGACTAT-3'

ClinVar aggregate classification (germline): Pathogenic (1 of 4 stars; one submission).

Conditions:
Charcot-Marie-Tooth disease axonal type 2V. Also called: CHARCOT-MARIE-TOOTH NEUROPATHY, TYPE 2V; CHARCOT-MARIE-TOOTH DISEASE, AXONAL, AUTOSOMAL DOMINANT, TYPE 2V. Identifiers: Orphanet 447964, MedGen C5569050, MONDO:0014665, OMIM 616491.
Mucopolysaccharidosis, MPS-III-B (MPS3B). Also called: N-ACETYL-ALPHA-D-GLUCOSAMINIDASE DEFICIENCY; NAGLU DEFICIENCY; SANFILIPPO SYNDROME B; MPS III B; Mucopolysaccharidosis type IIIB (Sanfilippo B); MUCOPOLYSACCHARIDOSIS, TYPE IIIB. Identifiers: Orphanet 79270, MedGen C0086648, MONDO:0009656, OMIM 252920.

Submission:

Labcorp Genetics (formerly Invitae), Labcorp
Classification: Pathogenic for Charcot-Marie-Tooth disease axonal type 2V; Mucopolysaccharidosis, MPS-III-B. Last evaluated: 2024-03-21. Review status: criteria provided, single submitter. Criteria: Invitae Variant Classification Sherloc (09022015). Collection method: clinical testing. Allele origin: germline.
Comment: This sequence change creates a premature translational stop signal (p.Tyr638*) in the NAGLU gene. While this is not anticipated to result in nonsense mediated decay, it is expected to disrupt the last 106 amino acid(s) of the NAGLU protein. This variant is not present in population databases (gnomAD no frequency). This variant has not been reported in the literature in individuals affected with NAGLU-related conditions. This variant disrupts a region of the NAGLU protein in which other variant(s) (p.Gln706*) have been determined to be pathogenic (PMID: 9443875, 29661560; Invitae). This suggests that this is a clinically significant region of the protein, and that variants that disrupt it are likely to be disease-causing. For these reasons, this variant has been classified as Pathogenic.

Literature cited by the submitters: PubMed 9443875; PubMed 29661560.